The following is an entry in ClinVar:

NM_001042492.3(NF1):c.559T>A (p.Cys187Ser)

Gene: NF1 (neurofibromin 1; plus strand). Cytogenetic location: 17q11.2.
Variant type: single nucleotide variant.
Coding change: c.559T>A on transcript NM_001042492.3 (MANE Select); coding-DNA position 559, T replaced by A.
Protein change: p.Cys187Ser; replaces cysteine 187 with serine.
Molecular consequence: missense variant.
Genome position (GRCh38, 1-based): chr17:31,169,970, T>A. VCF-style: chr17-31169970-T-A. GRCh37 (hg19) VCF-style: chr17-29496988-T-A.
Other names: c.559T>A, p.Cys187Ser (NM_000267.4, NM_001128147.3); short protein forms C187S.
Identifiers: ClinVar variation 2714853 (VCV002714853.3), dbSNP rs2544719326, ClinGen allele CA398985317.
Genomic context (GRCh38, chr17:31,169,970, plus strand): 5'-TGTTCAGAAGACAATGTTGATGTTCATGATATAGAATTGTTACAGTATATCAATGTGGAT[T>A]GTGCAAAATTAAAACGACTCCTGAAGGGTAAGTTTAAATGTATAATATATCTGAAAAAAA-3'
Protein context (NP_001035957.1, residues 177-197): IELLQYINVD[Cys187Ser]AKLKRLLKET

ClinVar aggregate classification (germline): Uncertain significance (1 of 4 stars; one submission).

Conditions:
Neurofibromatosis, type 1 (NF1). Also called: Neurofibromatosis, type I; NEUROFIBROMATOSIS, TYPE I, SOMATIC; Peripheral type neurofibromatosis; VON RECKLINGHAUSEN DISEASE. Identifiers: Orphanet 636, MedGen C0027831, MONDO:0018975, OMIM 162200. Disease mechanism: loss of function.

Submission:

Labcorp Genetics (formerly Invitae), Labcorp
Classification: Uncertain significance for Neurofibromatosis, type 1. Last evaluated: 2023-02-15. Review status: criteria provided, single submitter. Criteria: Invitae Variant Classification Sherloc (09022015). Collection method: clinical testing. Allele origin: germline.
Comment: This sequence change replaces cysteine, which is neutral and slightly polar, with serine, which is neutral and polar, at codon 187 of the NF1 protein (p.Cys187Ser). This variant is not present in population databases (gnomAD no frequency). This variant has not been reported in the literature in individuals affected with NF1-related conditions. Advanced modeling of protein sequence and biophysical properties (such as structural, functional, and spatial information, amino acid conservation, physicochemical variation, residue mobility, and thermodynamic stability) performed at Invitae indicates that this missense variant is not expected to disrupt NF1 protein function. In summary, the available evidence is currently insufficient to determine the role of this variant in disease. Therefore, it has been classified as a Variant of Uncertain Significance.